The following is an entry in ClinVar:

NM_006231.4(POLE):c.2061G>A (p.Gln687=)

Gene: POLE (DNA polymerase epsilon, catalytic subunit; minus strand). Cytogenetic location: 12q24.33.
Variant type: single nucleotide variant.
Coding change: c.2061G>A on transcript NM_006231.4 (MANE Select); coding-DNA position 2061, G replaced by A.
Protein change: p.Gln687=; no amino-acid change (glutamine 687 retained).
Molecular consequence: synonymous variant.
Genome position (GRCh38, 1-based): chr12:132,668,468, C>T on the plus strand (G>A on the coding strand, the complement: POLE is on the minus strand). VCF-style: chr12-132668468-C-T. GRCh37 (hg19) VCF-style: chr12-133245054-C-T.
Identifiers: ClinVar variation 513525 (VCV000513525.14), dbSNP rs1400021883, ClinGen allele CA482722250.

ClinVar aggregate classification (germline): Likely benign. Review status: criteria provided, multiple submitters, no conflicts (2 of 4 stars). 3 submissions from 3 submitters: Likely benign (3). Last evaluated 2025-12-14.

Conditions:
Hereditary cancer-predisposing syndrome. Also called: Hereditary Cancer Syndrome; Neoplastic Syndromes, Hereditary; Tumor predisposition; Hereditary neoplastic syndrome. Identifiers: Orphanet 140162, MedGen C0027672, MeSH D009386, MONDO:0015356.

Allele frequency attached by ClinVar (database versions not stated): TOPMed below 0.00001; gnomAD 0.00001; gnomAD exomes 0.00001.
gnomAD v4.1: 9 of 1,608,786 alleles (0.00056%); highest among the groups gnomAD compares: Non-Finnish European, 0.00076%; no homozygotes.

Submissions (3):

Labcorp Genetics (formerly Invitae), Labcorp
Classification: Likely benign. Last evaluated: 2025-12-14. Review status: criteria provided, single submitter. Criteria: Invitae Variant Classification Sherloc (09022015). Collection method: clinical testing. Allele origin: germline.

Ambry Genetics
Classification: Likely benign for Hereditary cancer-predisposing syndrome. Last evaluated: 2017-12-14. Review status: criteria provided, single submitter. Criteria: Ambry Variant Classification Scheme 2023. Collection method: clinical testing. Allele origin: germline.

GeneDx
Classification: Likely benign. Last evaluated: 2017-11-16. Review status: criteria provided, single submitter. Criteria: GeneDx Variant Classification (06012015). Collection method: clinical testing. Allele origin: germline. Affected: yes.
Comment: This variant is considered likely benign or benign based on one or more of the following criteria: it is a conservative change, it occurs at a poorly conserved position in the protein, it is predicted to be benign by multiple in silico algorithms, and/or has population frequency not consistent with disease.